The following is an entry in ClinVar:

NM_001035.3(RYR2):c.3369A>G (p.Gln1123=)

Gene: RYR2 (ryanodine receptor 2; plus strand). Cytogenetic location: 1q43.
Variant type: single nucleotide variant.
Coding change: c.3369A>G on transcript NM_001035.3 (MANE Select); coding-DNA position 3369, A replaced by G.
Protein change: p.Gln1123=; no amino-acid change (glutamine 1123 retained).
Molecular consequence: synonymous variant.
Genome position (GRCh38, 1-based): chr1:237,566,721, A>G. VCF-style: chr1-237566721-A-G. GRCh37 (hg19) VCF-style: chr1-237730021-A-G.
Other names: c.3369A>G (NM_001035.2).
Identifiers: ClinVar variation 919786 (VCV000919786.5), dbSNP rs1672124134, ClinGen allele CA423819201.
Genomic context (GRCh38, chr1:237,566,721, plus strand): 5'-TGAATTTGAGACGGTCACTGCTGGAGACATGAGGGTTGGTTGGAGTCGTCCTGGTTGTCA[A>G]CCGGATCAGGAGCTTGGCTCAGATGAACGTGCCTTTGCCTTTGATGGCTTCAAGGTGAGT-3'
Protein context (NP_001026.2, residues 1113-1133): MRVGWSRPGC[Gln1123=]PDQELGSDER

ClinVar aggregate classification (germline): Likely benign. Review status: criteria provided, multiple submitters, no conflicts (2 of 4 stars). 3 submissions from 3 submitters: Likely benign (3). Last evaluated 2023-03-23.

Conditions:
Cardiovascular phenotype. Identifiers: MedGen CN230736.
Catecholaminergic polymorphic ventricular tachycardia (CVPT). Also called: Catecholamine-induced polymorphic ventricular tachycardia. Identifiers: Orphanet 3286, MedGen C5574922, MONDO:0017990.
Cardiomyopathy (CMYO). Also called: Cardiomyopathies. Identifiers: Orphanet 167848, MedGen C0878544, MONDO:0004994, HP:0001638. Inheritance: Various modes of inheritance.

Submissions (3):

All of Us Research Program, National Institutes of Health
Classification: Likely benign for Catecholaminergic polymorphic ventricular tachycardia. Last evaluated: 2023-03-23. Review status: criteria provided, single submitter. Criteria: ACMG Guidelines, 2015. Collection method: clinical testing. Allele origin: germline. Inheritance: Autosomal dominant inheritance. Observed: 1 variant allele, 1 heterozygote.
Comment: This study involves interpretation of variants in research participants for the purpose of population health screening. Participant phenotype was not available at the time of variant classification. Additional details can be found in publication PMID: 35346344, PMCID: PMC8962531

Ambry Genetics
Classification: Likely benign for Cardiovascular phenotype. Last evaluated: 2020-10-25. Review status: criteria provided, single submitter. Criteria: Ambry Variant Classification Scheme 2023. Collection method: clinical testing. Allele origin: germline.

Color Diagnostics, LLC DBA Color Health
Classification: Likely benign for Cardiomyopathy. Last evaluated: 2019-10-30. Review status: criteria provided, single submitter. Criteria: ACMG Guidelines, 2015. Collection method: clinical testing. Allele origin: germline.